The following is an entry in ClinVar:

NM_001353921.2(ARHGEF9):c.726C>A (p.Ile242=)

Gene: ARHGEF9 (Cdc42 guanine nucleotide exchange factor 9; minus strand). Cytogenetic location: Xq11.1.
Variant type: single nucleotide variant.
Coding change: c.726C>A on transcript NM_001353921.2 (MANE Select); coding-DNA position 726, C replaced by A.
Protein change: p.Ile242=; no amino-acid change (isoleucine 242 retained).
Molecular consequence: synonymous variant.
Genome position (GRCh38, 1-based): chrX:63,678,429, G>T on the plus strand (C>A on the coding strand, the complement: ARHGEF9 is on the minus strand). VCF-style: chrX-63678429-G-T. GRCh37 (hg19) VCF-style: chrX-62898309-G-T.
Other names: c.546C>A, p.Ile182= (NM_001173479.2); c.399C>A, p.Ile133= (NM_001173480.2, NM_001369042.1); c.642C>A, p.Ile214= (NM_001330495.2, NM_001353927.2, NM_001369033.1 and 8 more transcripts); c.726C>A, p.Ile242= (NM_001353922.2); c.744C>A, p.Ile248= (NM_001353923.1); c.525C>A, p.Ile175= (NM_001353924.2, NM_001353926.2, NM_001369039.1 and 1 more transcripts); c.705C>A, p.Ile235= (NM_001353928.2, NM_001369030.1, NM_001369031.1 and 2 more transcripts); c.291C>A, p.Ile97= (NM_001369045.1).
Identifiers: ClinVar variation 506927 (VCV000506927.1), dbSNP rs1556365224, ClinGen allele CA516878409.

ClinVar aggregate classification (germline): Likely benign (1 of 4 stars; one submission).

Submission:

GeneDx
Classification: Likely benign. Last evaluated: 2017-01-19. Review status: criteria provided, single submitter. Criteria: GeneDx Variant Classification (06012015). Collection method: clinical testing. Allele origin: germline. Affected: yes.
Comment: This variant is considered likely benign or benign based on one or more of the following criteria: it is a conservative change, it occurs at a poorly conserved position in the protein, it is predicted to be benign by multiple in silico algorithms, and/or has population frequency not consistent with disease.